The following is an entry in ClinVar:

ClinVar aggregate classification (germline): Pathogenic. Review status: criteria provided, single submitter (1 of 4 stars). 2 submissions from 2 submitters: Pathogenic (1). 1 of the submissions does not count toward it. Last evaluated 2024-03-01.

Conditions:
Schaaf-Yang syndrome (SHFYNG). Also called: MAGEL2-related Prader-Willi-like syndrome; Arthrogryposis, distal, with hypopituitarism, intellectual disability, and facial anomalies. Identifiers: Orphanet 398069, MedGen C5575066, MONDO:0014243, OMIM 615547.

Submissions (2):

CeGaT Center for Human Genetics Tuebingen
Classification: Pathogenic. Last evaluated: 2024-03-01. Review status: criteria provided, single submitter. Criteria: CeGaT Center For Human Genetics Tuebingen Variant Classification Criteria Version 2. Collection method: clinical testing. Allele origin: germline. Affected: yes. Observed: 1 variant allele.
Comment: MAGEL2: PVS1:Strong, PM1, PM2, PP4, PS4:Supporting

Department Of Pediatrics And Neonatology, Nagoya City University Graduate School Of Medical Sciences
Classification: Pathogenic for Schaaf-Yang syndrome. Last evaluated: 2018-06-25. Review status: no assertion criteria provided. Collection method: clinical testing. Allele origin: de novo. Affected: yes. Observed: 1 variant allele. Not counted in ClinVar's aggregate classification.

NM_019066.5(MAGEL2):c.1761G>A (p.Trp587Ter)

Gene: MAGEL2 (MAGE family member L2; minus strand). Cytogenetic location: 15q11.2.
Variant type: single nucleotide variant.
Coding change: c.1761G>A on transcript NM_019066.5 (MANE Select); coding-DNA position 1761, G replaced by A.
Protein change: p.Trp587Ter; replaces tryptophan 587 with a stop codon.
Molecular consequence: nonsense.
Genome position (GRCh38, 1-based): chr15:23,645,982, C>T on the plus strand (G>A on the coding strand, the complement: MAGEL2 is on the minus strand). VCF-style: chr15-23645982-C-T. GRCh37 (hg19) VCF-style: chr15-23891129-C-T.
Other names: short protein forms W587*.
Identifiers: ClinVar variation 548682 (VCV000548682.25), dbSNP rs1566784441, ClinGen allele CA391333383.